The following is an entry in ClinVar:

NC_000016.9:g.(?_77317853)_(77325395_?)del

Gene: ADAMTS18 (ADAM metallopeptidase with thrombospondin type 1 motif 18; minus strand). Cytogenetic location: 16q23.1.
Variant type: Deletion.
Identifiers: ClinVar variation 2427671 (VCV002427671.4).

ClinVar aggregate classification (germline): Uncertain significance (1 of 4 stars; one submission).

Submission:

Labcorp Genetics (formerly Invitae), Labcorp
Classification: Uncertain significance. Last evaluated: 2022-07-09. Review status: criteria provided, single submitter. Criteria: Invitae Variant Classification Sherloc (09022015). Collection method: clinical testing. Allele origin: germline.
Comment: In summary, the available evidence is currently insufficient to determine the role of this variant in disease. Therefore, it has been classified as a Variant of Uncertain Significance. Experimental studies and prediction algorithms are not available or were not evaluated, and the functional significance of this variant is currently unknown. This variant has not been reported in the literature in individuals affected with ADAMTS18-related conditions. This variant is a gross deletion of the genomic region encompassing exon(s) 21-23 of the ADAMTS18 gene, which includes the termination codon. This deletion extends beyond the assayed region for this gene and therefore may encompass additional genes. While this deletion is not anticipated to lead to nonsense mediated decay, it is expected to alter mRNA translation or result in a truncated protein product.